The following is an entry in ClinVar:

NM_001903.5(CTNNA1):c.1424C>A (p.Pro475Gln)

Gene: CTNNA1 (catenin alpha 1; plus strand). Cytogenetic location: 5q31.2.
Variant type: single nucleotide variant.
Coding change: c.1424C>A on transcript NM_001903.5 (MANE Select); coding-DNA position 1424, C replaced by A.
Protein change: p.Pro475Gln; replaces proline 475 with glutamine.
Molecular consequence: missense variant. On other transcripts: 5 prime UTR variant (5).
Genome position (GRCh38, 1-based): chr5:138,917,776, C>A. VCF-style: chr5-138917776-C-A. GRCh37 (hg19) VCF-style: chr5-138253465-C-A.
Other names: c.1424C>A, p.Pro475Gln (NM_001290307.3, NM_001323982.2, NM_001323983.1 and 2 more transcripts); c.1115C>A, p.Pro372Gln (NM_001290309.3); c.1055C>A, p.Pro352Gln (NM_001290310.3); c.314C>A, p.Pro105Gln (NM_001290312.1, NM_001323987.1, NM_001323988.1 and 17 more transcripts); c.1331C>A, p.Pro444Gln (NM_001323986.2); c.-26C>A (NM_001324006.1, NM_001324007.1, NM_001324008.1 and 2 more transcripts); c.221C>A, p.Pro74Gln (NM_001324011.1); c.71C>A, p.Pro24Gln (NM_001324012.1, NM_001324013.1); short protein forms P352Q, P475Q, P74Q, P105Q, P24Q, P444Q, P372Q.
Identifiers: ClinVar variation 952919 (VCV000952919.9), dbSNP rs1022331992, ClinGen allele CA361137149.

ClinVar aggregate classification (germline): Uncertain significance (1 of 4 stars; one submission).

Submission:

Labcorp Genetics (formerly Invitae), Labcorp
Classification: Uncertain significance. Last evaluated: 2019-06-06. Review status: criteria provided, single submitter. Criteria: Invitae Variant Classification Sherloc (09022015). Collection method: clinical testing. Allele origin: germline.
Comment: In summary, the available evidence is currently insufficient to determine the role of this variant in disease. Therefore, it has been classified as a Variant of Uncertain Significance. Algorithms developed to predict the effect of missense changes on protein structure and function are either unavailable or do not agree on the potential impact of this missense change (SIFT: "Deleterious"; PolyPhen-2: "Probably Damaging"; Align-GVGD: "Class C0"). This variant has not been reported in the literature in individuals with CTNNA1-related conditions. This variant is not present in population databases (ExAC no frequency). This sequence change replaces proline with glutamine at codon 475 of the CTNNA1 protein (p.Pro475Gln). The proline residue is highly conserved and there is a moderate physicochemical difference between proline and glutamine.